The following is an entry in ClinVar:

ClinVar aggregate classification (germline): Uncertain significance. Review status: criteria provided, multiple submitters, no conflicts (2 of 4 stars). 2 submissions from 2 submitters: Uncertain significance (2). Last evaluated 2025-08-06.

Conditions:
Inborn genetic diseases. Identifiers: MedGen C0950123, MeSH D030342.

Allele frequency attached by ClinVar (database versions not stated): gnomAD exomes below 0.00001; TOPMed 0.00001.
gnomAD v4.1: 3 of 1,556,290 alleles (0.00019%); highest among the groups gnomAD compares: Non-Finnish European, 0.00017%; no homozygotes.

Submissions (2):

Ambry Genetics
Classification: Uncertain significance for Inborn genetic diseases. Last evaluated: 2025-08-06. Review status: criteria provided, single submitter. Criteria: Ambry Variant Classification Scheme 2023. Collection method: clinical testing. Allele origin: germline.

Labcorp Genetics (formerly Invitae), Labcorp
Classification: Uncertain significance. Last evaluated: 2022-09-27. Review status: criteria provided, single submitter. Criteria: Invitae Variant Classification Sherloc (09022015). Collection method: clinical testing. Allele origin: germline.
Comment: This variant is present in population databases (no rsID available, gnomAD 0.007%). This variant has not been reported in the literature in individuals affected with COLGALT1-related conditions. Advanced modeling of protein sequence and biophysical properties (such as structural, functional, and spatial information, amino acid conservation, physicochemical variation, residue mobility, and thermodynamic stability) performed at Invitae indicates that this missense variant is expected to disrupt COLGALT1 protein function. In summary, the available evidence is currently insufficient to determine the role of this variant in disease. Therefore, it has been classified as a Variant of Uncertain Significance. This sequence change replaces arginine, which is basic and polar, with cysteine, which is neutral and slightly polar, at codon 357 of the COLGALT1 protein (p.Arg357Cys).

NM_024656.4(COLGALT1):c.1069C>T (p.Arg357Cys)

Gene: COLGALT1 (collagen beta(1-O)galactosyltransferase 1; plus strand). Cytogenetic location: 19p13.11.
Variant type: single nucleotide variant.
Coding change: c.1069C>T on transcript NM_024656.4 (MANE Select); coding-DNA position 1069, C replaced by T.
Protein change: p.Arg357Cys; replaces arginine 357 with cysteine.
Molecular consequence: missense variant.
Genome position (GRCh38, 1-based): chr19:17,577,403, C>T. VCF-style: chr19-17577403-C-T. GRCh37 (hg19) VCF-style: chr19-17688212-C-T.
Other names: c.1069C>T (NM_024656.2); short protein forms R357C.
Identifiers: ClinVar variation 2043344 (VCV002043344.5), dbSNP rs1312823991, ClinGen allele CA404709984.